The following is an entry in ClinVar:

NM_001267550.2(TTN):c.103945C>T (p.Arg34649Ter)

Genes: TTN-AS1 (TTN antisense RNA 1; plus strand), TTN (titin; minus strand). Cytogenetic location: 2q31.2.
Variant type: single nucleotide variant.
Coding change: c.103945C>T on transcript NM_001267550.2 (MANE Select); coding-DNA position 103945, C replaced by T.
Protein change: p.Arg34649Ter; replaces arginine 34649 with a stop codon.
Molecular consequence: nonsense.
Genome position (GRCh38, 1-based): chr2:178,532,670, G>A on the plus strand (C>T on the coding strand, the complement: TTN is on the minus strand). VCF-style: chr2-178532670-G-A. GRCh37 (hg19) VCF-style: chr2-179397397-G-A.
Other names: c.99022C>T, p.Arg33008Ter (NM_001256850.1); c.76750C>T, p.Arg25584Ter (NM_003319.4); c.96241C>T, p.Arg32081Ter (NM_133378.4); c.77125C>T, p.Arg25709Ter (NM_133432.3); c.77326C>T, p.Arg25776Ter (NM_133437.4); short protein forms R34649*, R32081*, R25584*, R25709*, R33008*, R25776*.
Identifiers: ClinVar variation 570433 (VCV000570433.10), dbSNP rs995029896, ClinGen allele CA349412882.

ClinVar aggregate classification (germline): Likely pathogenic. Review status: criteria provided, multiple submitters, no conflicts (2 of 4 stars). 2 submissions from 2 submitters: Likely pathogenic (2). Last evaluated 2025-04-21.

Conditions:
Dilated cardiomyopathy 1G (CMD1G). Identifiers: Orphanet 154, MedGen C1858763, MONDO:0011400, OMIM 604145.
Autosomal recessive limb-girdle muscular dystrophy type 2J (LGMDR10). Also called: Limb-girdle muscular dystrophy, type 2J; MUSCULAR DYSTROPHY, LIMB-GIRDLE, AUTOSOMAL RECESSIVE 10. Identifiers: Orphanet 140922, MedGen C1837342, MONDO:0012127, OMIM 608807.

Allele frequency attached by ClinVar (database versions not stated): gnomAD exomes below 0.00001; TOPMed below 0.00001; gnomAD 0.00001 and 0.00002.
gnomAD v4.1: 9 of 1,613,820 alleles (0.00056%); highest among the groups gnomAD compares: East Asian, 0.0022%; no homozygotes.

Submissions (2):

Greenwood Genetic Center Diagnostic Laboratories, Greenwood Genetic Center
Classification: Likely pathogenic for Dilated cardiomyopathy 1G. Last evaluated: 2025-04-21. Review status: criteria provided, single submitter. Criteria: ACMG Guidelines, 2015. Collection method: clinical testing. Allele origin: germline.
Comment: PVS1_Strong, PM1, PM2

Labcorp Genetics (formerly Invitae), Labcorp
Classification: Likely pathogenic for Dilated cardiomyopathy 1G; Autosomal recessive limb-girdle muscular dystrophy type 2J. Last evaluated: 2023-12-06. Review status: criteria provided, single submitter. Criteria: Invitae Variant Classification Sherloc (09022015). Collection method: clinical testing. Allele origin: germline.
Comment: This sequence change creates a premature translational stop signal (p.Arg34649*) in the TTN gene. While this is not anticipated to result in nonsense mediated decay, it is expected to create a truncated TTN protein. This variant is present in population databases (no rsID available, gnomAD 0.004%). This premature translational stop signal has been observed in individual(s) with dilated cardiomyopathy (PMID: 4315225, 36264615). ClinVar contains an entry for this variant (Variation ID: 570433). This variant is located in the M band of TTN (PMID: 25589632). Truncating variants in this region have been previously reported in individuals affected with autosomal recessive myopathy and muscular dystrophy (PMID: 18948003, 23975875, 24395473). Truncating variants in this region have also been identified in individuals affected with autosomal dominant dilated cardiomyopathy and/or cardio-related conditions (PMID: 27869827, 32964742). In summary, the currently available evidence indicates that the variant is pathogenic, but additional data are needed to prove that conclusively. Therefore, this variant has been classified as Likely Pathogenic.

Literature cited by the submitters: PubMed 4315225 (cited by Labcorp Genetics (formerly Invitae), Labcorp); PubMed 36264615 (cited by Labcorp Genetics (formerly Invitae), Labcorp); PubMed 25589632 (cited by Labcorp Genetics (formerly Invitae), Labcorp); PubMed 18948003 (cited by Labcorp Genetics (formerly Invitae), Labcorp); PubMed 23975875 (cited by Labcorp Genetics (formerly Invitae), Labcorp); PubMed 24395473 (cited by Labcorp Genetics (formerly Invitae), Labcorp); PubMed 27869827 (cited by Labcorp Genetics (formerly Invitae), Labcorp); PubMed 32964742 (cited by Labcorp Genetics (formerly Invitae), Labcorp).